The following is an entry in ClinVar:

NM_001122630.2(CDKN1C):c.590del (p.Pro197fs)

Gene: CDKN1C (cyclin dependent kinase inhibitor 1C; minus strand). Cytogenetic location: 11p15.4.
Variant type: Deletion.
Coding change: c.590del on transcript NM_001122630.2 (MANE Select); coding-DNA position 590, one base deleted (C; older notation c.590delC).
Protein change: p.Pro197fs; shifts the reading frame from proline 197.
Molecular consequence: frameshift variant. On other transcripts: intron variant (1).
Genome position (GRCh38, 1-based): chr11:2,884,867, G deleted on the plus strand (C on the coding strand, the reverse complement: CDKN1C is on the minus strand); the first of 4 consecutive G bases (chr11:2,884,867-2,884,870); deleting any one gives the same sequence. VCF-style (leftmost placement, unchanged base first): chr11-2884866-CG-C. GRCh37 (hg19) VCF-style: chr11-2906096-CG-C.
Other names: c.623del, p.Pro208fs (NM_000076.2, NM_001362474.2); c.590del, p.Pro197fs (NM_001122631.2); c.255+335del (NM_001362475.2); short protein forms P197fs, P208fs.
Identifiers: ClinVar variation 1329632 (VCV001329632.2), dbSNP rs2133783113, ClinGen allele CA2573053487.
Genomic context (GRCh38, chr11:2,884,866, plus strand): 5'-CGCGCCCTGCTCGGCGCTCTCTTGAGGCGCCGCGTCCGGGGCCGGGGCCGGGGCGGGGGC[CG>C]GGGCCGGGGCCGGGGCCGGGGCTGGGGCCGGGGCCGCGACTGGAGCCGGGGCCGGAGCCG-3'

ClinVar aggregate classification (germline): Likely pathogenic (1 of 4 stars; one submission).

Submission:

GeneDx
Classification: Likely pathogenic. Last evaluated: 2021-11-29. Review status: criteria provided, single submitter. Criteria: GeneDx Variant Classification Process June 2021. Collection method: clinical testing. Allele origin: germline. Affected: yes.
Comment: Has not been previously published as pathogenic or benign to our knowledge; Frameshift variant predicted to result in protein truncation, as the last 109 amino acids are replaced with 63 different amino acids, and other loss-of-function variants have been reported downstream in the Human Gene Mutation Database (Stenson et al., 2014); Not observed in large population cohorts (Lek et al., 2016)